The following is an entry in ClinVar:

NM_002454.3(MTRR):c.1401T>G (p.His467Gln)

Gene: MTRR (5-methyltetrahydrofolate-homocysteine methyltransferase reductase; plus strand). Cytogenetic location: 5p15.31.
Variant type: single nucleotide variant.
Coding change: c.1401T>G on transcript NM_002454.3 (MANE Select); coding-DNA position 1401, T replaced by G.
Protein change: p.His467Gln; replaces histidine 467 with glutamine.
Molecular consequence: missense variant. On other transcripts: non-coding transcript variant (14).
Genome position (GRCh38, 1-based): chr5:7,892,757, T>G. VCF-style: chr5-7892757-T-G. GRCh37 (hg19) VCF-style: chr5-7892870-T-G.
Other names: c.1401T>G, p.His467Gln (NM_001364440.2, NM_001364441.2, NM_001364442.2 and 1 more transcripts); short protein forms H467Q.
Identifiers: ClinVar variation 1352947 (VCV001352947.8), dbSNP rs1737824362, ClinGen allele CA359158848.

ClinVar aggregate classification (germline): Uncertain significance (1 of 4 stars; one submission).

Conditions:
Methylcobalamin deficiency type cblE (HMAE). Also called: HOMOCYSTINURIA-MEGALOBLASTIC ANEMIA, cblE COMPLEMENTATION TYPE; HOMOCYSTINURIA-MEGALOBLASTIC ANEMIA, cblE TYPE; VITAMIN B12-RESPONSIVE HOMOCYSTINURIA, cblE TYPE. Identifiers: Orphanet 2169, Orphanet 622, MedGen C1856057, MONDO:0009354, OMIM 236270.

gnomAD v4.1: 1 of 1,614,228 alleles (0.000062%); highest among the groups gnomAD compares: Non-Finnish European, 0.000085%; no homozygotes.

Submission:

Labcorp Genetics (formerly Invitae), Labcorp
Classification: Uncertain significance for Methylcobalamin deficiency type cblE. Last evaluated: 2021-03-24. Review status: criteria provided, single submitter. Criteria: Invitae Variant Classification Sherloc (09022015). Collection method: clinical testing. Allele origin: germline.
Comment: In summary, the available evidence is currently insufficient to determine the role of this variant in disease. Therefore, it has been classified as a Variant of Uncertain Significance. Algorithms developed to predict the effect of missense changes on protein structure and function (SIFT, PolyPhen-2, Align-GVGD) all suggest that this variant is likely to be tolerated, but these predictions have not been confirmed by published functional studies and their clinical significance is uncertain. This variant has not been reported in the literature in individuals with MTRR-related conditions. This variant is not present in population databases (ExAC no frequency). This sequence change replaces histidine with glutamine at codon 467 of the MTRR protein (p.His467Gln). The histidine residue is moderately conserved and there is a small physicochemical difference between histidine and glutamine.